The following is an entry in ClinVar:

ClinVar aggregate classification (germline): Uncertain significance (1 of 4 stars; one submission).

Submission:

Labcorp Genetics (formerly Invitae), Labcorp
Classification: Uncertain significance. Last evaluated: 2025-11-03. Review status: criteria provided, single submitter. Criteria: Invitae Variant Classification Sherloc (09022015). Collection method: clinical testing. Allele origin: germline.
Comment: This sequence change replaces valine, which is neutral and non-polar, with isoleucine, which is neutral and non-polar, at codon 496 of the TFRC protein (p.Val496Ile). This variant is not present in population databases (gnomAD no frequency). This variant has not been reported in the literature in individuals affected with TFRC-related conditions. Invitae Evidence Modeling of protein sequence and biophysical properties (such as structural, functional, and spatial information, amino acid conservation, physicochemical variation, residue mobility, and thermodynamic stability) indicates that this missense variant is not expected to disrupt TFRC protein function with a negative predictive value of 80%. In summary, the available evidence is currently insufficient to determine the role of this variant in disease. Therefore, it has been classified as a Variant of Uncertain Significance.

NM_001128148.3(TFRC):c.1486G>A (p.Val496Ile)

Gene: TFRC (transferrin receptor; minus strand). Cytogenetic location: 3q29.
Variant type: single nucleotide variant.
Coding change: c.1486G>A on transcript NM_001128148.3 (MANE Select); coding-DNA position 1486, G replaced by A.
Protein change: p.Val496Ile; replaces valine 496 with isoleucine.
Molecular consequence: missense variant.
Genome position (GRCh38, 1-based): chr3:196,060,230, C>T on the plus strand (G>A on the coding strand, the complement: TFRC is on the minus strand). VCF-style: chr3-196060230-C-T. GRCh37 (hg19) VCF-style: chr3-195787101-C-T.
Other names: c.1243G>A, p.Val415Ile (NM_001313965.2); c.640G>A, p.Val214Ile (NM_001313966.2); c.1486G>A, p.Val496Ile (NM_003234.4); short protein forms V214I, V415I, V496I.
Identifiers: ClinVar variation 4805379 (VCV004805379.1).